The following is an entry in ClinVar:

NM_001353214.3(DYM):c.106C>G (p.Leu36Val)

Gene: DYM (dymeclin; minus strand). Cytogenetic location: 18q21.1.
Variant type: single nucleotide variant.
Coding change: c.106C>G on transcript NM_001353214.3 (MANE Select); coding-DNA position 106, C replaced by G.
Protein change: p.Leu36Val; replaces leucine 36 with valine.
Molecular consequence: missense variant.
Genome position (GRCh38, 1-based): chr18:49,430,289, G>C on the plus strand (C>G on the coding strand, the complement: DYM is on the minus strand). VCF-style: chr18-49430289-G-C. GRCh37 (hg19) VCF-style: chr18-46956659-G-C.
Other names: c.106C>G, p.Leu36Val (NM_001353210.3, NM_001353211.3, NM_001353212.3 and 21 more transcripts); short protein forms L36V.
Identifiers: ClinVar variation 2055176 (VCV002055176.2), dbSNP rs373302004, ClinGen allele CA8958506.

ClinVar aggregate classification (germline): Uncertain significance (1 of 4 stars; one submission).

Allele frequency attached by ClinVar (database versions not stated): ExAC 0.00001; gnomAD exomes 0.00002; TOPMed 0.00002; gnomAD 0.00003; ESP Exome Variant Server 0.00008.
gnomAD v4.1: 32 of 1,613,874 alleles (0.002%); highest among the groups gnomAD compares: African/African-American, 0.0027%; no homozygotes.

Submission:

Labcorp Genetics (formerly Invitae), Labcorp
Classification: Uncertain significance. Last evaluated: 2022-01-26. Review status: criteria provided, single submitter. Criteria: Invitae Variant Classification Sherloc (09022015). Collection method: clinical testing. Allele origin: germline.
Comment: In summary, the available evidence is currently insufficient to determine the role of this variant in disease. Therefore, it has been classified as a Variant of Uncertain Significance. Algorithms developed to predict the effect of missense changes on protein structure and function are either unavailable or do not agree on the potential impact of this missense change (SIFT: "Tolerated"; PolyPhen-2: "Possibly Damaging"; Align-GVGD: "Class C0"). This variant has not been reported in the literature in individuals affected with DYM-related conditions. This variant is present in population databases (rs373302004, gnomAD 0.002%). This sequence change replaces leucine, which is neutral and non-polar, with valine, which is neutral and non-polar, at codon 36 of the DYM protein (p.Leu36Val).